The following is an entry in ClinVar:

ClinVar aggregate classification (germline): Uncertain significance. Review status: criteria provided, single submitter (1 of 4 stars). 2 submissions from 2 submitters: Uncertain significance (1). 1 of the submissions does not count toward it. Last evaluated 2022-03-18.

Conditions:
Autosomal recessive retinitis pigmentosa. Identifiers: MedGen C0339526.

Allele frequency attached by ClinVar (database versions not stated): gnomAD 0.00001; ExAC 0.00012; TOPMed 0.00002.
gnomAD v4.1: 112 of 1,613,136 alleles (0.0069%); highest among the groups gnomAD compares: South Asian, 0.11%; no homozygotes.

Submissions (2):

Labcorp Genetics (formerly Invitae), Labcorp
Classification: Uncertain significance. Last evaluated: 2022-03-18. Review status: criteria provided, single submitter. Criteria: Invitae Variant Classification Sherloc (09022015). Collection method: clinical testing. Allele origin: germline.
Comment: This sequence change replaces histidine, which is basic and polar, with arginine, which is basic and polar, at codon 466 of the EYS protein (p.His466Arg). This variant is present in population databases (rs773496819, gnomAD 0.1%). This variant has not been reported in the literature in individuals affected with EYS-related conditions. ClinVar contains an entry for this variant (Variation ID: 972500). Algorithms developed to predict the effect of missense changes on protein structure and function output the following: SIFT: "Tolerated"; PolyPhen-2: "Possibly Damaging"; Align-GVGD: "Class C0". The arginine amino acid residue is found in multiple mammalian species, which suggests that this missense change does not adversely affect protein function. In summary, the available evidence is currently insufficient to determine the role of this variant in disease. Therefore, it has been classified as a Variant of Uncertain Significance.

Natera, Inc.
Classification: Uncertain significance for Autosomal recessive retinitis pigmentosa. Last evaluated: 2020-11-06. Review status: no assertion criteria provided. Collection method: clinical testing. Allele origin: germline. Not counted in ClinVar's aggregate classification.

NM_001142800.2(EYS):c.1397A>G (p.His466Arg)

Gene: EYS (eyes shut homolog; minus strand). Cytogenetic location: 6q12.
Variant type: single nucleotide variant.
Coding change: c.1397A>G on transcript NM_001142800.2 (MANE Select); coding-DNA position 1397, A replaced by G.
Protein change: p.His466Arg; replaces histidine 466 with arginine.
Molecular consequence: missense variant.
Genome position (GRCh38, 1-based): chr6:65,353,520, T>C on the plus strand (A>G on the coding strand, the complement: EYS is on the minus strand). VCF-style: chr6-65353520-T-C. GRCh37 (hg19) VCF-style: chr6-66063413-T-C.
Other names: c.1397A>G, p.His466Arg (NM_001142801.2, NM_001292009.2, NM_198283.2); short protein forms H466R.
Identifiers: ClinVar variation 972500 (VCV000972500.4), dbSNP rs773496819, ClinGen allele CA3877768.
Genomic context (GRCh38, chr6:65,353,520, plus strand): 5'-GCAAATCCCAATTGCCACACATATTCAAATTGAGCAGGACCTTTATCTTGGCAAATACCA[T>C]GGAAGGTGACTCCACAGTAGCAGAGGTGTTGATGAATTAGGTAAACATTCTTCAAAAACC-3'
Protein context (NP_001136272.1, residues 456-476): QHLCYCGVTF[His466Arg]GICQDKGPAQ